The following is an entry in ClinVar:

NM_000051.4(ATM):c.7217A>G (p.Lys2406Arg)

Genes: ATM (ATM serine/threonine kinase; plus strand), C11orf65 (chromosome 11 open reading frame 65; minus strand). Cytogenetic location: 11q22.3.
Variant type: single nucleotide variant.
Coding change: c.7217A>G on transcript NM_000051.4 (MANE Select); coding-DNA position 7217, A replaced by G.
Protein change: p.Lys2406Arg; replaces lysine 2406 with arginine.
Molecular consequence: missense variant. On other transcripts: intron variant (2).
Genome position (GRCh38, 1-based): chr11:108,329,148, A>G. VCF-style: chr11-108329148-A-G. GRCh37 (hg19) VCF-style: chr11-108199875-A-G.
Other names: c.7217A>G, p.Lys2406Arg (NM_001351834.2); c.641-20077T>C (NM_001330368.2); c.*38+6072T>C (NM_001351110.2); short protein forms K2406R.
Identifiers: ClinVar variation 2883635 (VCV002883635.4), dbSNP rs771994581, ClinGen allele CA6266081.
Genomic context (GRCh38, chr11:108,329,148, plus strand): 5'-CATTTCTCTCATTAGCCCGGTTTTCAGATACTCAATACCAAAGAATTGAAAACTACATGA[A>G]ATCATCGGAATTTGAAAACAAGCAAGCTCTCCTGAAAAGAGCCAAAGAGGAAGTAGGTCT-3'
Protein context (NP_000042.3, residues 2396-2416): TQYQRIENYM[Lys2406Arg]SSEFENKQAL

ClinVar aggregate classification (germline): Uncertain significance. Review status: criteria provided, multiple submitters, no conflicts (2 of 4 stars). 2 submissions from 2 submitters: Uncertain significance (2). Last evaluated 2024-08-15.

Conditions:
Ataxia-telangiectasia syndrome (AT). Also called: ATAXIA-TELANGIECTASIA, COMPLEMENTATION GROUP A; ATAXIA-TELANGIECTASIA, FRESNO VARIANT; Ataxia-telangiectasia; Ataxia-telangiectasia, complementation group E; LOUIS-BAR SYNDROME; Cerebello-oculocutaneous telangiectasia. Identifiers: Orphanet 100, MedGen C0004135, MONDO:0008840, OMIM 208900.
Hereditary cancer-predisposing syndrome. Also called: Tumor predisposition; Hereditary Cancer Syndrome; Hereditary neoplastic syndrome; Neoplastic Syndromes, Hereditary. Identifiers: Orphanet 140162, MedGen C0027672, MeSH D009386, MONDO:0015356.

Allele frequency attached by ClinVar (database versions not stated): ExAC 0.00001; gnomAD exomes below 0.00001.
gnomAD v4.1: 5 of 1,614,096 alleles (0.00031%); highest among the groups gnomAD compares: Non-Finnish European, 0.00042%; no homozygotes.

Submissions (2):

Ambry Genetics
Classification: Uncertain significance for Hereditary cancer-predisposing syndrome. Last evaluated: 2024-08-15. Review status: criteria provided, single submitter. Criteria: Ambry Variant Classification Scheme 2023. Collection method: clinical testing. Allele origin: germline.
Comment: The p.K2406R variant (also known as c.7217A>G), located in coding exon 48 of the ATM gene, results from an A to G substitution at nucleotide position 7217. The lysine at codon 2406 is replaced by arginine, an amino acid with highly similar properties. This variant was identified in 1 of 13087 breast cancer cases and 0 of 5488 control individuals in the UK (Decker B et al. J Med Genet, 2017 Nov;54:732-741).This amino acid position is not well conserved in available vertebrate species. In addition, this alteration is predicted to be tolerated by in silico analysis. Based on the available evidence, the clinical significance of this variant remains unclear.

Labcorp Genetics (formerly Invitae), Labcorp
Classification: Uncertain significance for Ataxia-telangiectasia syndrome. Last evaluated: 2024-07-26. Review status: criteria provided, single submitter. Criteria: Invitae Variant Classification Sherloc (09022015). Collection method: clinical testing. Allele origin: germline.
Comment: This sequence change replaces lysine, which is basic and polar, with arginine, which is basic and polar, at codon 2406 of the ATM protein (p.Lys2406Arg). This variant is present in population databases (rs771994581, gnomAD 0.0009%). This variant has not been reported in the literature in individuals affected with ATM-related conditions. An algorithm developed to predict the effect of missense changes on protein structure and function (PolyPhen-2) suggests that this variant is likely to be disruptive. In summary, the available evidence is currently insufficient to determine the role of this variant in disease. Therefore, it has been classified as a Variant of Uncertain Significance.

Literature cited by the submitters: PubMed 28779002 (cited by Ambry Genetics).